The following is an entry in ClinVar:

NM_000540.3(RYR1):c.844C>T (p.Arg282Trp)

Gene: RYR1 (ryanodine receptor 1; plus strand). Cytogenetic location: 19q13.2.
Variant type: single nucleotide variant.
Coding change: c.844C>T on transcript NM_000540.3 (MANE Select); coding-DNA position 844, C replaced by T.
Protein change: p.Arg282Trp; replaces arginine 282 with tryptophan.
Molecular consequence: missense variant.
Genome position (GRCh38, 1-based): chr19:38,448,398, C>T. VCF-style: chr19-38448398-C-T. GRCh37 (hg19) VCF-style: chr19-38939038-C-T.
Other names: c.844C>T, p.Arg282Trp (NM_001042723.2); short protein forms R282W.
Identifiers: ClinVar variation 374200 (VCV000374200.13), dbSNP rs1057518970, ClinGen allele CA16043552.

ClinVar aggregate classification (germline): Conflicting classifications of pathogenicity. Review status: criteria provided, conflicting classifications (1 of 4 stars). 6 submissions from 6 submitters: Likely pathogenic (1); Uncertain significance (4). 1 of the submissions does not count toward it. Last evaluated 2025-11-19.

Conditions:
Malignant hyperthermia, susceptibility to, 1 (MHS1). Also called: Malignant hyperthermia suceptibility 1; Anesthesia related hyperthermia; Malignant hyperpyrexia; Fulminating hyperpyrexia; Pharmacogenic myopathy; RYR1-Related Malignant Hyperthermia Susceptibility. Identifiers: Orphanet 423, MedGen C2930980, MONDO:0007783, OMIM 145600.
Congenital muscular dystrophy. Identifiers: Orphanet 97242, MedGen C0699743, MONDO:0019950. Disease mechanism: loss of function.
Myopathy. Identifiers: MedGen C0026848, MeSH D009135, MONDO:0005336, HP:0003198.
Respiratory insufficiency. Identifiers: MedGen C0035229, HP:0002093.
RYR1-related disorder. Also called: RYR1-related disorders; RYR1-related condition. Identifiers: MedGen CN239331.

Allele frequency attached by ClinVar (database versions not stated): gnomAD 0.00001 and 0.00002; gnomAD exomes 0.00001; TOPMed 0.00001.

Submissions (6):

Color Diagnostics, LLC DBA Color Health
Classification: Uncertain significance for Malignant hyperthermia, susceptibility to, 1. Last evaluated: 2025-11-19. Review status: criteria provided, single submitter. Criteria: ACMG Guidelines, 2015. Collection method: clinical testing. Allele origin: germline.
Comment: This missense variant replaces arginine with tryptophan at codon 282 of the RYR1 protein. Computational predictions are inconclusive for impact on protein structure and function. To our knowledge, functional studies have not been reported for this variant. This variant has not been reported in individuals affected with RYR1-related disorders in the literature. This variant has been identified in 19/1612336 chromosomes in the general population by the Genome Aggregation Database (gnomAD). The available evidence is insufficient to determine the role of this variant in disease conclusively. Therefore, this variant is classified as a Variant of Uncertain Significance.

Labcorp Genetics (formerly Invitae), Labcorp
Classification: Uncertain significance for RYR1-related disorder. Last evaluated: 2025-03-25. Review status: criteria provided, single submitter. Criteria: Invitae Variant Classification Sherloc (09022015). Collection method: clinical testing. Allele origin: germline.
Comment: This sequence change replaces arginine, which is basic and polar, with tryptophan, which is neutral and slightly polar, at codon 282 of the RYR1 protein (p.Arg282Trp). The frequency data for this variant in the population databases is considered unreliable, as metrics indicate poor data quality at this position in the gnomAD database. This missense change has been observed in individual(s) with non-immune hydrops fetalis (PMID: 34625927, 36307859). ClinVar contains an entry for this variant (Variation ID: 374200). Invitae Evidence Modeling of protein sequence and biophysical properties (such as structural, functional, and spatial information, amino acid conservation, physicochemical variation, residue mobility, and thermodynamic stability) indicates that this missense variant is expected to disrupt RYR1 protein function with a positive predictive value of 95%. In summary, the available evidence is currently insufficient to determine the role of this variant in disease. Therefore, it has been classified as a Variant of Uncertain Significance.

GeneDx
Classification: Uncertain significance. Last evaluated: 2019-06-03. Review status: criteria provided, single submitter. Criteria: GeneDx Variant Classification Process June 2021. Collection method: clinical testing. Allele origin: germline. Affected: yes.
Comment: In silico analysis, which includes protein predictors and evolutionary conservation, supports a deleterious effect; Has not been previously published as pathogenic or benign to our knowledge

Genomic Research Center, Shahid Beheshti University of Medical Sciences
Classification: Uncertain significance. Last evaluated: 2019-01-01. Review status: criteria provided, single submitter. Criteria: ACMG Guidelines, 2015. Collection method: clinical testing. Allele origin: unknown. Affected: yes. Observed: 1 variant allele.

Centre for Mendelian Genomics, University Medical Centre Ljubljana
Classification: Likely pathogenic for Muscular dystrophy; Myopathy; Respiratory insufficiency. Last evaluated: 2014-05-21. Review status: criteria provided, single submitter. Criteria: ACMG Guidelines, 2015. Collection method: clinical testing. Allele origin: unknown. Affected: yes.

PreventionGenetics, part of Exact Sciences
Classification: Uncertain significance for RYR1-related condition. Last evaluated: 2023-11-29. Review status: no assertion criteria provided. Collection method: clinical testing. Allele origin: germline. Not counted in ClinVar's aggregate classification.
Comment: The RYR1 c.844C>T variant is predicted to result in the amino acid substitution p.Arg282Trp. This variant was reported in the compound heterozygous state in a fetus with isolated hydrops fetalis (Table S1, case 166, Fu et al. 2022. PubMed ID: 36307859) and in a fetus with non-immune hydrops fetalis with a loss-of-function RYR1 variant as well as as loss-of-function variant in SOX18 (Zhang et al. 2021. PubMed ID: 34625927). This variant is reported in 0.0080% of alleles in individuals of African descent in gnomAD. Although we suspect that this variant may be pathogenic, at this time, the clinical significance of this variant is uncertain due to the absence of conclusive functional and genetic evidence.

Literature cited by the submitters: PubMed 34625927 (cited by Labcorp Genetics (formerly Invitae), Labcorp); PubMed 36307859 (cited by Labcorp Genetics (formerly Invitae), Labcorp).